The following is an entry in ClinVar:

NM_001457.4(FLNB):c.1862T>C (p.Met621Thr)

Gene: FLNB (filamin B; plus strand). Cytogenetic location: 3p14.3.
Variant type: single nucleotide variant.
Coding change: c.1862T>C on transcript NM_001457.4 (MANE Select); coding-DNA position 1862, T replaced by C.
Protein change: p.Met621Thr; replaces methionine 621 with threonine.
Molecular consequence: missense variant.
Genome position (GRCh38, 1-based): chr3:58,106,794, T>C. VCF-style: chr3-58106794-T-C. GRCh37 (hg19) VCF-style: chr3-58092521-T-C.
Other names: c.1862T>C, p.Met621Thr (NM_001164317.2, NM_001164318.2, NM_001164319.2); short protein forms M621T.
Identifiers: ClinVar variation 2912436 (VCV002912436.3), dbSNP rs1403410798, ClinGen allele CA353340697.
Genomic context (GRCh38, chr3:58,106,794, plus strand): 5'-ATGGATCGTGTGATGTCAAATACTGGCCCAAGGAGCCTGGCGAATATGCTGTTCACATCA[T>C]GTGTGACGACGAAGACATCAAGGACAGCCCGTACATGGCCTTCATCCACCCAGCCACGGG-3'
Protein context (NP_001448.2, residues 611-631): KEPGEYAVHI[Met621Thr]CDDEDIKDSP

ClinVar aggregate classification (germline): Uncertain significance (1 of 4 stars; one submission).

Allele frequency attached by ClinVar (database versions not stated): gnomAD exomes 0.00001; gnomAD 0.00002; TOPMed 0.00002.
gnomAD v4.1: 13 of 1,614,116 alleles (0.00081%); highest among the groups gnomAD compares: East Asian, 0.0045%; no homozygotes.

Submission:

Labcorp Genetics (formerly Invitae), Labcorp
Classification: Uncertain significance. Last evaluated: 2023-11-15. Review status: criteria provided, single submitter. Criteria: Invitae Variant Classification Sherloc (09022015). Collection method: clinical testing. Allele origin: germline.
Comment: This sequence change replaces methionine, which is neutral and non-polar, with threonine, which is neutral and polar, at codon 621 of the FLNB protein (p.Met621Thr). This variant is present in population databases (no rsID available, gnomAD 0.06%). This variant has not been reported in the literature in individuals affected with FLNB-related conditions. Advanced modeling of protein sequence and biophysical properties (such as structural, functional, and spatial information, amino acid conservation, physicochemical variation, residue mobility, and thermodynamic stability) performed at Invitae indicates that this missense variant is not expected to disrupt FLNB protein function with a negative predictive value of 95%. In summary, the available evidence is currently insufficient to determine the role of this variant in disease. Therefore, it has been classified as a Variant of Uncertain Significance.